The following is an entry in ClinVar:

NM_001079872.2(CUL4B):c.1273A>G (p.Thr425Ala)

Gene: CUL4B (cullin 4B; minus strand). Cytogenetic location: Xq24.
Variant type: single nucleotide variant.
Coding change: c.1273A>G on transcript NM_001079872.2 (MANE Select); coding-DNA position 1273, A replaced by G.
Protein change: p.Thr425Ala; replaces threonine 425 with alanine.
Molecular consequence: missense variant.
Genome position (GRCh38, 1-based): chrX:120,543,017, T>C on the plus strand (A>G on the coding strand, the complement: CUL4B is on the minus strand). VCF-style: chrX-120543017-T-C. GRCh37 (hg19) VCF-style: chrX-119676872-T-C.
Other names: c.1327A>G, p.Thr443Ala (NM_003588.4); c.1288A>G, p.Thr430Ala (NM_001330624.2); c.739A>G, p.Thr247Ala (NM_001369145.1); short protein forms T247A, T443A, T430A, T425A.
Identifiers: ClinVar variation 4616774 (VCV004616774.1).

ClinVar aggregate classification (germline): Uncertain significance (1 of 4 stars; one submission).

Conditions:
Inborn genetic diseases. Identifiers: MedGen C0950123, MeSH D030342.

gnomAD v4.1: 9 of 1,182,672 alleles (0.00076%); highest among the groups gnomAD compares: Admixed American, 0.0022%; no homozygotes.

Submission:

Ambry Genetics
Classification: Uncertain significance for Inborn genetic diseases. Last evaluated: 2025-10-18. Review status: criteria provided, single submitter. Criteria: Ambry Variant Classification Scheme 2023. Collection method: clinical testing. Allele origin: germline.
Comment: The c.1327A>G (p.T443A) alteration is located in exon 11 (coding exon 10) of the CUL4B gene. This alteration results from a A to G substitution at nucleotide position 1327, causing the threonine (T) at amino acid position 443 to be replaced by an alanine (A). Based on data from gnomAD, the G allele has an overall frequency of 0.001% (2/177648) total alleles studied. The highest observed frequency was 0.004% (1/26754) of Latino alleles. Based on insufficient or conflicting evidence, the clinical significance of this alteration remains unclear.